The following is an entry in ClinVar:

NM_030665.4(RAI1):c.887G>A (p.Arg296Gln)

Gene: RAI1 (retinoic acid induced 1; plus strand). Cytogenetic location: 17p11.2.
Variant type: single nucleotide variant.
Coding change: c.887G>A on transcript NM_030665.4 (MANE Select); coding-DNA position 887, G replaced by A.
Protein change: p.Arg296Gln; replaces arginine 296 with glutamine.
Molecular consequence: missense variant.
Genome position (GRCh38, 1-based): chr17:17,793,835, G>A. VCF-style: chr17-17793835-G-A. GRCh37 (hg19) VCF-style: chr17-17697149-G-A.
Other names: c.887G>A (NM_030665.3); short protein forms R296Q.
Identifiers: ClinVar variation 1625539 (VCV001625539.11), dbSNP rs201729595, ClinGen allele CA8418230.

ClinVar aggregate classification (germline): Conflicting classifications of pathogenicity. Review status: criteria provided, conflicting classifications (1 of 4 stars). 3 submissions from 3 submitters: Uncertain significance (1); Benign (1); Likely benign (1). Last evaluated 2026-01-07.

Conditions:
RAI1-related disorder. Also called: RAI1-related condition.
Inborn genetic diseases. Identifiers: MedGen C0950123, MeSH D030342.

Allele frequency attached by ClinVar (database versions not stated): gnomAD 0.00003; ExAC 0.00004; TOPMed 0.00004; gnomAD exomes 0.00006; 1000 Genomes Project 30x 0.00016; 1000 Genomes Project 0.00020.
gnomAD v4.1: 68 of 1,612,842 alleles (0.0042%); highest among the groups gnomAD compares: Middle Eastern, 0.017%; no homozygotes.

Submissions (3):

Labcorp Genetics (formerly Invitae), Labcorp
Classification: Benign. Last evaluated: 2026-01-07. Review status: criteria provided, single submitter. Criteria: Invitae Variant Classification Sherloc (09022015). Collection method: clinical testing. Allele origin: germline.

PreventionGenetics, part of Exact Sciences
Classification: Uncertain significance for RAI1-related condition. Last evaluated: 2025-10-31. Review status: criteria provided, single submitter. Criteria: ACMG Guidelines, 2015. Collection method: clinical testing. Allele origin: germline.
Comment: The RAI1 c.887G>A variant is predicted to result in the amino acid substitution p.Arg296Gln. To our knowledge, this variant has not been reported in the literature. This variant is reported in 0.049% of alleles in individuals of Ashkenazi Jewish descent in gnomAD, which is more common than expected for a pathogenic variant. Although we suspect that this variant could be likely benign, at this time, the clinical significance of this variant is uncertain due to the absence of conclusive functional and genetic evidence.

Ambry Genetics
Classification: Likely benign for Inborn genetic diseases. Last evaluated: 2021-07-14. Review status: criteria provided, single submitter. Criteria: Ambry Variant Classification Scheme 2023. Collection method: clinical testing. Allele origin: germline.